The following is an entry in ClinVar:

NM_000089.4(COL1A2):c.3865G>T (p.Ala1289Ser)

Gene: COL1A2 (collagen type I alpha 2 chain; plus strand). Cytogenetic location: 7q21.3.
Variant type: single nucleotide variant.
Coding change: c.3865G>T on transcript NM_000089.4 (MANE Select); coding-DNA position 3865, G replaced by T.
Protein change: p.Ala1289Ser; replaces alanine 1289 with serine.
Molecular consequence: missense variant.
Genome position (GRCh38, 1-based): chr7:94,429,341, G>T. VCF-style: chr7-94429341-G-T. GRCh37 (hg19) VCF-style: chr7-94058653-G-T.
Other names: short protein forms A1289S.
Identifiers: ClinVar variation 1735635 (VCV001735635.2), dbSNP rs759477389, ClinGen allele CA4347872.

ClinVar aggregate classification (germline): Uncertain significance (1 of 4 stars; one submission).

Conditions:
Cardiovascular phenotype. Identifiers: MedGen CN230736.

Allele frequency attached by ClinVar (database versions not stated): gnomAD exomes below 0.00001; ExAC 0.00001.
gnomAD v4.1: 1 of 1,614,080 alleles (0.000062%); highest among the groups gnomAD compares: Non-Finnish European, 0.000085%; no homozygotes.

Submission:

Ambry Genetics
Classification: Uncertain significance for Cardiovascular phenotype. Last evaluated: 2021-05-27. Review status: criteria provided, single submitter. Criteria: Ambry Variant Classification Scheme 2023. Collection method: clinical testing. Allele origin: germline.
Comment: The p.A1289S variant (also known as c.3865G>T), located in coding exon 51 of the COL1A2 gene, results from a G to T substitution at nucleotide position 3865. The alanine at codon 1289 is replaced by serine, an amino acid with similar properties. This amino acid position is highly conserved in available vertebrate species. In addition, the in silico prediction for this alteration is inconclusive. Since supporting evidence is limited at this time, the clinical significance of this alteration remains unclear.